The following is an entry in ClinVar:

NM_006648.4(WNK2):c.3968C>T (p.Ala1323Val)

Gene: WNK2 (WNK lysine deficient protein kinase 2; plus strand). Cytogenetic location: 9q22.31.
Variant type: single nucleotide variant.
Coding change: c.3968C>T on transcript NM_006648.4 (MANE Select); coding-DNA position 3968, C replaced by T.
Protein change: p.Ala1323Val; replaces alanine 1323 with valine.
Molecular consequence: missense variant.
Genome position (GRCh38, 1-based): chr9:93,268,681, C>T. VCF-style: chr9-93268681-C-T. GRCh37 (hg19) VCF-style: chr9-96030963-C-T.
Other names: c.3968C>T, p.Ala1323Val (NM_001282394.3); short protein forms A1323V.
Identifiers: ClinVar variation 3816741 (VCV003816741.1).

ClinVar aggregate classification (germline): Uncertain significance (1 of 4 stars; one submission).

Submission:

Ambry Genetics
Classification: Uncertain significance. Last evaluated: 2025-01-05. Review status: criteria provided, single submitter. Criteria: Ambry Variant Classification Scheme 2023. Collection method: clinical testing. Allele origin: germline.
Comment: The p.A1323V variant (also known as c.3968C>T), located in coding exon 18 of the WNK2 gene, results from a C to T substitution at nucleotide position 3968. The alanine at codon 1323 is replaced by valine, an amino acid with similar properties. This amino acid position is conserved. In addition, this alteration is predicted to be tolerated by in silico analysis. Based on the available evidence, the clinical significance of this variant remains unclear.